The following is an entry in ClinVar:

NM_001384474.1(LOXHD1):c.5911G>T (p.Asp1971Tyr)

Gene: LOXHD1 (lipoxygenase homology PLAT domains 1; minus strand). Cytogenetic location: 18q21.1.
Variant type: single nucleotide variant.
Coding change: c.5911G>T on transcript NM_001384474.1 (MANE Select); coding-DNA position 5911, G replaced by T.
Protein change: p.Asp1971Tyr; replaces aspartic acid 1971 with tyrosine.
Molecular consequence: missense variant.
Genome position (GRCh38, 1-based): chr18:46,489,110, C>A on the plus strand (G>T on the coding strand, the complement: LOXHD1 is on the minus strand). VCF-style: chr18-46489110-C-A. GRCh37 (hg19) VCF-style: chr18-44069073-C-A.
Other names: c.2578G>T, p.Asp860Tyr (NM_001145472.3); c.628G>T, p.Asp210Tyr (NM_001145473.3, NM_001173129.2); c.2290G>T, p.Asp764Tyr (NM_001308013.2); c.5725G>T, p.Asp1909Tyr (NM_144612.7); short protein forms D1909Y, D764Y, D860Y, D210Y, D1971Y.
Identifiers: ClinVar variation 178926 (VCV000178926.6), dbSNP rs727504544, ClinGen allele CA183325.

ClinVar aggregate classification (germline): Uncertain significance. Review status: criteria provided, multiple submitters, no conflicts (2 of 4 stars). 3 submissions from 3 submitters: Uncertain significance (2). 1 of the submissions does not count toward it. Last evaluated 2021-03-25.

Conditions:
Autosomal recessive nonsyndromic hearing loss 77. Identifiers: Orphanet 90636, MedGen C2746083, MONDO:0013119, OMIM 613079.

Allele frequency attached by ClinVar (database versions not stated): gnomAD 0.00006; TOPMed 0.00006; ExAC 0.00009.
gnomAD v4.1: 16 of 1,551,540 alleles (0.001%); highest among the groups gnomAD compares: African/African-American, 0.022%; no homozygotes.

Submissions (3):

Blueprint Genetics
Classification: Uncertain significance. Last evaluated: 2021-03-25. Review status: criteria provided, single submitter. Criteria: ACMG Guidelines, 2015. Collection method: clinical testing. Allele origin: germline.

Laboratory for Molecular Medicine, Mass General Brigham Personalized Medicine
Classification: Uncertain significance. Last evaluated: 2013-06-11. Review status: criteria provided, single submitter. Criteria: LMM Criteria. Collection method: clinical testing. Allele origin: germline. Observed: 1 variant allele.
Comment: The Asp1909Tyr variant in LOXHD1 has not been reported in individuals with heari ng loss or in large population studies. Computational analyses (biochemical amin o acid properties, conservation, AlignGVGD, PolyPhen2, and SIFT) do not provide strong support for or against an impact to the protein. In summary, additional d ata is needed to determine the clinical significance of this variant.

Natera, Inc.
Classification: Uncertain significance for Autosomal recessive deafness type 77. Last evaluated: 2019-10-28. Review status: no assertion criteria provided. Collection method: clinical testing. Allele origin: germline. Not counted in ClinVar's aggregate classification.